The following is an entry in ClinVar:

NM_000487.6(ARSA):c.617dup (p.Ala207fs)

Gene: ARSA (arylsulfatase A; minus strand). Cytogenetic location: 22q13.33.
Variant type: Duplication.
Coding change: c.617dup on transcript NM_000487.6 (MANE Select); coding-DNA position 617, one base duplicated (T; older notation c.617dupT).
Protein change: p.Ala207fs; shifts the reading frame from alanine 207.
Molecular consequence: frameshift variant.
Genome position (GRCh38, 1-based): chr22:50,626,901, A duplicated on the plus strand (T on the coding strand, the reverse complement: ARSA is on the minus strand); the first of 3 consecutive A bases (chr22:50,626,901-50,626,903); duplicating any one gives the same sequence. VCF-style (leftmost placement, unchanged base first): chr22-50626900-G-GA. GRCh37 (hg19) VCF-style: chr22-51065328-G-GA.
Other names: c.617dup, p.Ala207fs (NM_001085425.3, NM_001085426.3, NM_001085427.3); c.359dup, p.Ala121fs (NM_001085428.3, NM_001362782.2); short protein forms A121fs, A207fs.
Identifiers: ClinVar variation 1452818 (VCV001452818.6), dbSNP rs2146723372, ClinGen allele CA2573158317.

ClinVar aggregate classification (germline): Pathogenic (1 of 4 stars; one submission).

Conditions:
Metachromatic leukodystrophy (MLD). Also called: ARSA DEFICIENCY; CEREBROSIDE SULFATASE DEFICIENCY; SULFATIDE LIPIDOSIS; METACHROMATIC LEUKOENCEPHALOPATHY; Arylsulfatase A Deficiency; Cerebral sclerosis diffuse metachromatic form. Identifiers: Orphanet 512, MedGen C0023522, MONDO:0018868, OMIM 250100.

Submission:

Labcorp Genetics (formerly Invitae), Labcorp
Classification: Pathogenic for Metachromatic leukodystrophy. Last evaluated: 2021-12-03. Review status: criteria provided, single submitter. Criteria: Invitae Variant Classification Sherloc (09022015). Collection method: clinical testing. Allele origin: germline.
Comment: For these reasons, this variant has been classified as Pathogenic. This variant has not been reported in the literature in individuals affected with ARSA-related conditions. This variant is not present in population databases (gnomAD no frequency). This sequence change creates a premature translational stop signal (p.Ala207Argfs*3) in the ARSA gene. It is expected to result in an absent or disrupted protein product. Loss-of-function variants in ARSA are known to be pathogenic (PMID: 8962139, 10477432).

Literature cited by the submitters: PubMed 8962139; PubMed 10477432.